The following is an entry in ClinVar:

ClinVar aggregate classification (germline): Likely benign (1 of 4 stars; one submission).

Submission:

CeGaT Center for Human Genetics Tuebingen
Classification: Likely benign. Last evaluated: 2024-04-01. Review status: criteria provided, single submitter. Criteria: CeGaT Center For Human Genetics Tuebingen Variant Classification Criteria Version 2. Collection method: clinical testing. Allele origin: germline. Affected: yes. Observed: 1 variant allele.
Comment: PLEC: PM2:Supporting, BP4, BP7

NM_201384.3(PLEC):c.5739G>T (p.Val1913=)

Gene: PLEC (plectin; minus strand). Cytogenetic location: 8q24.3.
Variant type: single nucleotide variant.
Coding change: c.5739G>T on transcript NM_201384.3 (MANE Select); coding-DNA position 5739, G replaced by T.
Protein change: p.Val1913=; no amino-acid change (valine 1913 retained).
Molecular consequence: synonymous variant. On other transcripts: intron variant (1).
Genome position (GRCh38, 1-based): chr8:143,924,190, C>A on the plus strand (G>T on the coding strand, the complement: PLEC is on the minus strand). VCF-style: chr8-143924190-C-A. GRCh37 (hg19) VCF-style: chr8-144998358-C-A.
Other names: c.5820G>T, p.Val1940= (NM_000445.5); c.5697G>T, p.Val1899= (NM_201378.4); c.5673G>T, p.Val1891= (NM_201379.3); c.6150G>T, p.Val2050= (NM_201380.4); c.5643G>T, p.Val1881= (NM_201381.3); c.5739G>T, p.Val1913= (NM_201382.4); c.5751G>T, p.Val1917= (NM_201383.3); c.4126-1795G>T (NM_001410941.1).
Identifiers: ClinVar variation 3234618 (VCV003234618.20), dbSNP rs2537862071, ClinGen allele CA463534224.
Genomic context (GRCh38, chr8:143,924,190, plus strand): 5'-GCTCGCCTTCAGCGCCAGGATCTCCTCCTCCACCTGCCGCCGCTGCCTCAGCGTGTCCTC[C>A]ACCAGCCCCTTCTGCCGCTCCAGCTCGCTGTCCGATGCCTTGCGCAGCTGGGCCAGGCGC-3'
Protein context (NP_958786.1, residues 1903-1923): DSELERQKGL[Val1913=]EDTLRQRRQV